The following is an entry in ClinVar:

NM_020745.4(AARS2):c.1718C>T (p.Ser573Leu)

Gene: AARS2 (alanyl-tRNA synthetase 2, mitochondrial; minus strand). Cytogenetic location: 6p21.1.
Variant type: single nucleotide variant.
Coding change: c.1718C>T on transcript NM_020745.4 (MANE Select); coding-DNA position 1718, C replaced by T.
Protein change: p.Ser573Leu; replaces serine 573 with leucine.
Molecular consequence: missense variant.
Genome position (GRCh38, 1-based): chr6:44,304,679, G>A on the plus strand (C>T on the coding strand, the complement: AARS2 is on the minus strand). VCF-style: chr6-44304679-G-A. GRCh37 (hg19) VCF-style: chr6-44272416-G-A.
Other names: short protein forms S573L.
Identifiers: ClinVar variation 4686986 (VCV004686986.1).

ClinVar aggregate classification (germline): Uncertain significance (1 of 4 stars; one submission).

Submission:

GeneDx
Classification: Uncertain significance. Last evaluated: 2025-07-20. Review status: criteria provided, single submitter. Criteria: GeneDx Variant Classification Process June 2021. Collection method: clinical testing. Allele origin: germline. Affected: yes.
Comment: Not observed at significant frequency in large population cohorts (gnomAD); In silico analysis suggests that this missense variant does not alter protein structure/function; Has not been previously published as pathogenic or benign to our knowledge